The following is an entry in ClinVar:

ClinVar aggregate classification (germline): Uncertain significance. Review status: criteria provided, multiple submitters, no conflicts (2 of 4 stars). 2 submissions from 2 submitters: Uncertain significance (2). Last evaluated 2025-05-01.

Conditions:
Dilated cardiomyopathy 1G (CMD1G). Identifiers: Orphanet 154, MedGen C1858763, MONDO:0011400, OMIM 604145.
Autosomal recessive limb-girdle muscular dystrophy type 2J (LGMDR10). Also called: Limb-girdle muscular dystrophy, type 2J; MUSCULAR DYSTROPHY, LIMB-GIRDLE, AUTOSOMAL RECESSIVE 10. Identifiers: Orphanet 140922, MedGen C1837342, MONDO:0012127, OMIM 608807.

Allele frequency attached by ClinVar (database versions not stated): ExAC below 0.00001; gnomAD 0.00002; TOPMed 0.00003.
gnomAD v4.1: 13 of 1,593,826 alleles (0.00082%); highest among the groups gnomAD compares: Admixed American, 0.0017%; no homozygotes.

Submissions (2):

Labcorp Genetics (formerly Invitae), Labcorp
Classification: Uncertain significance for Dilated cardiomyopathy 1G; Autosomal recessive limb-girdle muscular dystrophy type 2J. Last evaluated: 2025-05-01. Review status: criteria provided, single submitter. Criteria: Invitae Variant Classification Sherloc (09022015). Collection method: clinical testing. Allele origin: germline.
Comment: This sequence change replaces glutamic acid, which is acidic and polar, with glutamine, which is neutral and polar, at codon 11933 of the TTN protein (p.Glu11933Gln). This variant also falls at the last nucleotide of exon 162, which is part of the consensus splice site for this exon. This variant is present in population databases (rs769110483, gnomAD 0.001%). This variant has not been reported in the literature in individuals affected with TTN-related conditions. ClinVar contains an entry for this variant (Variation ID: 404776). Experimental studies and prediction algorithms are not available or were not evaluated, and the functional significance of this variant is currently unknown. Variants that disrupt the consensus splice site are a relatively common cause of aberrant splicing (PMID: 17576681, 9536098). Algorithms developed to predict the effect of sequence changes on RNA splicing suggest that this variant may disrupt the consensus splice site. This variant is located in the I band of TTN (PMID: 25589632). Non-truncating variants in this region may be clinically relevant, but have not been definitively shown to cause cardiomyopathy or neuromuscular disease (PMID: 27493940, 32778822). In summary, the available evidence is currently insufficient to determine the role of this variant in disease. Therefore, it has been classified as a Variant of Uncertain Significance.

Revvity Omics, Revvity
Classification: Uncertain significance. Last evaluated: 2024-02-13. Review status: criteria provided, single submitter. Criteria: ACMG Guidelines, 2015. Collection method: clinical testing. Allele origin: germline.

Literature cited by the submitters: PubMed 17576681 (cited by Labcorp Genetics (formerly Invitae), Labcorp); PubMed 9536098 (cited by Labcorp Genetics (formerly Invitae), Labcorp); PubMed 25589632 (cited by Labcorp Genetics (formerly Invitae), Labcorp); PubMed 27493940 (cited by Labcorp Genetics (formerly Invitae), Labcorp); PubMed 32778822 (cited by Labcorp Genetics (formerly Invitae), Labcorp).

NM_001267550.2(TTN):c.35797G>C (p.Glu11933Gln)

Gene: TTN (titin; minus strand). Cytogenetic location: 2q31.2.
Variant type: single nucleotide variant.
Coding change: c.35797G>C on transcript NM_001267550.2 (MANE Select); coding-DNA position 35797, G replaced by C.
Protein change: p.Glu11933Gln; replaces glutamic acid 11933 with glutamine.
Molecular consequence: missense variant. On other transcripts: intron variant (5).
Genome position (GRCh38, 1-based): chr2:178,667,236, C>G on the plus strand (G>C on the coding strand, the complement: TTN is on the minus strand). VCF-style: chr2-178667236-C-G. GRCh37 (hg19) VCF-style: chr2-179531963-C-G.
Other names: c.13283-24919G>C (NM_003319.4); c.13859-24919G>C (NM_133437.4); c.13658-24919G>C (NM_133432.3); c.31483+2982G>C (NM_133378.4); c.34264+2982G>C (NM_001256850.1); short protein forms E11933Q.
Identifiers: ClinVar variation 404776 (VCV000404776.5), dbSNP rs769110483, ClinGen allele CA1997736.
Genomic context (GRCh38, chr2:178,667,236, plus strand): 5'-TTTTGCAGACTGAAGACAGTATATTTTCTTCTTTAGATTTTCCTAACTAGAGAATTATAC[C>G]TTCAGTTGGAGGATGTTCTGGAATTTCAGGAATAGCCTCAGGTGGCTCCACCTCTGGAAA-3'
Protein context (NP_001254479.2, residues 11923-11943): PEIPEHPPTE[Glu11933Gln]FEVFKEVIPE